The following is an entry in ClinVar:

ClinVar aggregate classification (germline): Conflicting classifications of pathogenicity. Review status: criteria provided, conflicting classifications (1 of 4 stars). 2 submissions from 2 submitters: Likely pathogenic (1); Uncertain significance (1). Last evaluated 2025-03-03.

Conditions:
Hereditary cancer-predisposing syndrome. Also called: Tumor predisposition; Hereditary Cancer Syndrome; Hereditary neoplastic syndrome; Neoplastic Syndromes, Hereditary. Identifiers: Orphanet 140162, MedGen C0027672, MeSH D009386, MONDO:0015356.
Ataxia-telangiectasia syndrome (AT). Also called: Ataxia telangiectasia (A-T); LOUIS-BAR SYNDROME; Cerebello-oculocutaneous telangiectasia; Immunodeficiency with ataxia telangiectasia; ATAXIA-TELANGIECTASIA, COMPLEMENTATION GROUP A; ATAXIA-TELANGIECTASIA, FRESNO VARIANT. Identifiers: Orphanet 100, MedGen C0004135, MONDO:0008840, OMIM 208900.

Submissions (2):

Labcorp Genetics (formerly Invitae), Labcorp
Classification: Likely pathogenic for Ataxia-telangiectasia syndrome. Last evaluated: 2025-03-03. Review status: criteria provided, single submitter. Criteria: Invitae Variant Classification Sherloc (09022015). Collection method: clinical testing. Allele origin: germline.
Comment: This sequence change replaces cysteine, which is neutral and slightly polar, with phenylalanine, which is neutral and non-polar, at codon 755 of the ATM protein (p.Cys755Phe). RNA analysis indicates that this missense change induces altered splicing and may result in an absent or altered protein product. This variant is not present in population databases (gnomAD no frequency). This variant has not been reported in the literature in individuals affected with ATM-related conditions. ClinVar contains an entry for this variant (Variation ID: 234196). Invitae Evidence Modeling of protein sequence and biophysical properties (such as structural, functional, and spatial information, amino acid conservation, physicochemical variation, residue mobility, and thermodynamic stability) indicates that this missense variant is not expected to disrupt ATM protein function with a negative predictive value of 95%. Studies have shown that this missense change results in deletion of part of exon 15, and produces a non-functional protein and/or introduces a premature termination codon (internal data). In summary, the currently available evidence indicates that the variant is pathogenic, but additional data are needed to prove that conclusively. Therefore, this variant has been classified as Likely Pathogenic.

Ambry Genetics
Classification: Uncertain significance for Hereditary cancer-predisposing syndrome. Last evaluated: 2015-09-23. Review status: criteria provided, single submitter. Criteria: Ambry Variant Classification Scheme 2023. Collection method: clinical testing. Allele origin: germline.
Comment: The p.C755F variant (also known as c.2264G>T), located in coding exon 14 of the ATM gene, results from a G to T substitution at nucleotide position 2264. The cysteine at codon 755 is replaced by phenylalanine, an amino acid with highly dissimilar properties. This variant was not reported in population based cohorts in the following databases: Database of Single Nucleotide Polymorphisms (dbSNP), NHLBI Exome Sequencing Project (ESP), and 1000 Genomes Project. In the ESP, this variant was not observed in 6499 samples (12998 alleles) with coverage at this position. To date, this alteration has been detected with an allele frequency of approximately 0.002% (greater than 66000 alleles tested) in our clinical cohort. This amino acid position is well conserved in available vertebrate species. In addition, the in silico prediction for this alteration is inconclusive. Since supporting evidence is limited at this time, the clinical significance of p.C755F remains unclear.

NM_000051.4(ATM):c.2264G>T (p.Cys755Phe)

Gene: ATM (ATM serine/threonine kinase; plus strand). Cytogenetic location: 11q22.3.
Variant type: single nucleotide variant.
Coding change: c.2264G>T on transcript NM_000051.4 (MANE Select); coding-DNA position 2264, G replaced by T.
Protein change: p.Cys755Phe; replaces cysteine 755 with phenylalanine.
Molecular consequence: missense variant.
Genome position (GRCh38, 1-based): chr11:108,257,494, G>T. VCF-style: chr11-108257494-G-T. GRCh37 (hg19) VCF-style: chr11-108128221-G-T.
Other names: c.2264G>T, p.Cys755Phe (NM_001351834.2); short protein forms C755F.
Identifiers: ClinVar variation 234196 (VCV000234196.6), dbSNP rs876660916, ClinGen allele CA10579045.